The following is an entry in ClinVar:

ClinVar aggregate classification (germline): Uncertain significance. Review status: criteria provided, multiple submitters, no conflicts (2 of 4 stars). 4 submissions from 4 submitters: Uncertain significance (4). Last evaluated 2025-04-09.

Conditions:
Cardiovascular phenotype. Identifiers: MedGen CN230736.
Familial thoracic aortic aneurysm and aortic dissection (TAAD). Also called: Thoracic aortic aneurysms and dissections. Identifiers: Orphanet 91387, MedGen C4707243, MONDO:0019625.
Marfan syndrome (MFS). Also called: MARFAN SYNDROME, TYPE I; Marfan syndrome type 1; Marfan's syndrome; Marfan syndrome, classic; FBN1-Related Marfan Syndrome. Identifiers: Orphanet 284963, Orphanet 558, MedGen C0024796, MONDO:0007947, OMIM 154700.

Allele frequency attached by ClinVar (database versions not stated): gnomAD exomes below 0.00001; TOPMed 0.00002.
gnomAD v4.1: 1 of 1,613,818 alleles (0.000062%); highest among the groups gnomAD compares: Middle Eastern, 0.016%; no homozygotes.

Submissions (4):

Molecular Diagnostic Laboratory for Inherited Cardiovascular Disease, Montreal Heart Institute
Classification: Uncertain significance for Cardiovascular phenotype. Last evaluated: 2025-04-09. Review status: criteria provided, single submitter. Criteria: ACMG Guidelines, 2015. Collection method: clinical testing. Allele origin: germline. Affected: yes.
Comment: PM1, PM2, PP2

Color Diagnostics, LLC DBA Color Health
Classification: Uncertain significance for Familial thoracic aortic aneurysm and aortic dissection. Last evaluated: 2024-02-12. Review status: criteria provided, single submitter. Criteria: ACMG Guidelines, 2015. Collection method: clinical testing. Allele origin: germline.
Comment: This missense variant replaces isoleucine with arginine at codon 578 of the FBN1 protein. Computational prediction suggests that this variant may not impact protein structure and function (internally defined REVEL score threshold <= 0.5, PMID: 27666373). To our knowledge, functional studies have not been reported for this variant. This variant has not been reported in individuals affected with FBN1-related disorders in the literature. This variant has not been identified in the general population by the Genome Aggregation Database (gnomAD). The available evidence is insufficient to determine the role of this variant in disease conclusively. Therefore, this variant is classified as a Variant of Uncertain Significance.

All of Us Research Program, National Institutes of Health
Classification: Uncertain significance for Marfan syndrome. Last evaluated: 2023-12-01. Review status: criteria provided, single submitter. Criteria: ACMG Guidelines, 2015. Collection method: clinical testing. Allele origin: germline. Inheritance: Autosomal dominant inheritance. Observed: 3 variant alleles, 3 heterozygotes.
Comment: This missense variant replaces isoleucine with arginine at codon 578 of the FBN1 protein. Computational prediction suggests that this variant may not impact protein structure and function (internally defined REVEL score threshold <= 0.5, PMID: 27666373). To our knowledge, functional studies have not been reported for this variant. This variant has not been reported in individuals affected with FBN1-related disorders in the literature. This variant has not been identified in the general population by the Genome Aggregation Database (gnomAD). The available evidence is insufficient to determine the role of this variant in disease conclusively. Therefore, this variant is classified as a Variant of Uncertain Significance.

This study involves interpretation of variants in research participants for the purpose of population health screening. Participant phenotype was not available at the time of variant classification. Additional details can be found in publication PMID: 35346344, PMCID: PMC8962531

Labcorp Genetics (formerly Invitae), Labcorp
Classification: Uncertain significance for Marfan syndrome; Familial thoracic aortic aneurysm and aortic dissection. Last evaluated: 2022-06-11. Review status: criteria provided, single submitter. Criteria: Invitae Variant Classification Sherloc (09022015). Collection method: clinical testing. Allele origin: germline.
Comment: This sequence change replaces isoleucine, which is neutral and non-polar, with arginine, which is basic and polar, at codon 578 of the FBN1 protein (p.Ile578Arg). This variant is not present in population databases (gnomAD no frequency). This variant has not been reported in the literature in individuals affected with FBN1-related conditions. Algorithms developed to predict the effect of missense changes on protein structure and function are either unavailable or do not agree on the potential impact of this missense change (SIFT: "Deleterious"; PolyPhen-2: "Possibly Damaging"; Align-GVGD: "Class C0"). In summary, the available evidence is currently insufficient to determine the role of this variant in disease. Therefore, it has been classified as a Variant of Uncertain Significance.

NM_000138.5(FBN1):c.1733T>G (p.Ile578Arg)

Gene: FBN1 (fibrillin 1; minus strand). Cytogenetic location: 15q21.1.
Variant type: single nucleotide variant.
Coding change: c.1733T>G on transcript NM_000138.5 (MANE Select); coding-DNA position 1733, T replaced by G.
Protein change: p.Ile578Arg; replaces isoleucine 578 with arginine.
Molecular consequence: missense variant.
Genome position (GRCh38, 1-based): chr15:48,508,686, A>C on the plus strand (T>G on the coding strand, the complement: FBN1 is on the minus strand). VCF-style: chr15-48508686-A-C. GRCh37 (hg19) VCF-style: chr15-48800883-A-C.
Other names: c.1733T>G, p.Ile578Arg (NM_001406716.1); short protein forms I578R.
Identifiers: ClinVar variation 2186219 (VCV002186219.3), dbSNP rs886831673, ClinGen allele CA269553101.
Genomic context (GRCh38, chr15:48,508,686, plus strand): 5'-CAAATACATTTAAAACTGCCATCTTCATTGATACACATTCCATTAAGGCACATGTTCCTT[A>C]TGCTGCATTCATCCATATCTGAAAATACAAAACATACATTTTCTTATGACCAGAAGAGTA-3'
Protein context (NP_000129.3, residues 568-588): KNCEDMDECS[Ile578Arg]RNMCLNGMCI